The following is an entry in ClinVar:

NM_000059.4(BRCA2):c.4079A>C (p.Asp1360Ala)

Gene: BRCA2 (BRCA2 DNA repair associated; plus strand). Cytogenetic location: 13q13.1.
Variant type: single nucleotide variant.
Coding change: c.4079A>C on transcript NM_000059.4 (MANE Select); coding-DNA position 4079, A replaced by C.
Protein change: p.Asp1360Ala; replaces aspartic acid 1360 with alanine.
Molecular consequence: missense variant. On other transcripts: non-coding transcript variant (1), intron variant (2).
Genome position (GRCh38, 1-based): chr13:32,338,434, A>C. VCF-style: chr13-32338434-A-C. GRCh37 (hg19) VCF-style: chr13-32912571-A-C.
Other names: c.4079A>C, p.Asp1360Ala (NM_001406719.1, NM_001406720.1, NM_001432077.1); c.1909+5047A>C (NM_001406721.1); c.425-6124A>C (NM_001406722.1); short protein forms D1360A.
Identifiers: ClinVar variation 3765269 (VCV003765269.2).

ClinVar aggregate classification (germline): Conflicting classifications of pathogenicity. Review status: criteria provided, conflicting classifications (1 of 4 stars). 2 submissions from 2 submitters: Uncertain significance (1); Likely benign (1). Last evaluated 2025-07-08.

Submissions (2):

Women's Health and Genetics/Laboratory Corporation of America, LabCorp
Classification: Uncertain significance. Last evaluated: 2025-07-08. Review status: criteria provided, single submitter. Criteria: LabCorp Variant Classification Summary - May 2015. Collection method: clinical testing. Allele origin: germline.

Center for Genomic Medicine, Rigshospitalet, Copenhagen University Hospital
Classification: Likely benign. Last evaluated: 2025-03-04. Review status: criteria provided, single submitter. Criteria: ACMG Guidelines, 2015. Collection method: clinical testing. Allele origin: germline.
Comment: Classification criteria: BP1_strong